The following is an entry in ClinVar:

NM_001365999.1(SZT2):c.8636G>A (p.Arg2879His)

Gene: SZT2 (SZT2 subunit of KICSTOR complex; plus strand). Cytogenetic location: 1p34.2.
Variant type: single nucleotide variant.
Coding change: c.8636G>A on transcript NM_001365999.1 (MANE Select); coding-DNA position 8636, G replaced by A.
Protein change: p.Arg2879His; replaces arginine 2879 with histidine.
Molecular consequence: missense variant.
Genome position (GRCh38, 1-based): chr1:43,443,607, G>A. VCF-style: chr1-43443607-G-A. GRCh37 (hg19) VCF-style: chr1-43909278-G-A.
Other names: c.8465G>A (NM_015284.3); c.8465G>A, p.Arg2822His (NM_015284.4); short protein forms R2879H, R2822H.
Identifiers: ClinVar variation 1044619 (VCV001044619.8), dbSNP rs143745300, ClinGen allele CA810642.

ClinVar aggregate classification (germline): Uncertain significance. Review status: criteria provided, multiple submitters, no conflicts (2 of 4 stars). 2 submissions from 2 submitters: Uncertain significance (2). Last evaluated 2025-12-19.

Allele frequency attached by ClinVar (database versions not stated): gnomAD exomes 0.00002; ESP Exome Variant Server 0.00023; gnomAD 0.00005; TOPMed 0.00003; ExAC 0.00004.
gnomAD v4.1: 64 of 1,613,994 alleles (0.004%); highest among the groups gnomAD compares: African/African-American, 0.011%; no homozygotes.

Submissions (2):

GeneDx
Classification: Uncertain significance. Last evaluated: 2025-12-19. Review status: criteria provided, single submitter. Criteria: GeneDx Variant Classification Process June 2021. Collection method: clinical testing. Allele origin: germline.
Comment: In silico analysis indicates that this missense variant does not alter protein structure/function; Has not been previously published as pathogenic or benign to our knowledge

Labcorp Genetics (formerly Invitae), Labcorp
Classification: Uncertain significance. Last evaluated: 2022-07-24. Review status: criteria provided, single submitter. Criteria: Invitae Variant Classification Sherloc (09022015). Collection method: clinical testing. Allele origin: germline.
Comment: This sequence change replaces arginine, which is basic and polar, with histidine, which is basic and polar, at codon 2822 of the SZT2 protein (p.Arg2822His). This variant is present in population databases (rs143745300, gnomAD 0.01%). This variant has not been reported in the literature in individuals affected with SZT2-related conditions. ClinVar contains an entry for this variant (Variation ID: 1044619). Algorithms developed to predict the effect of missense changes on protein structure and function are either unavailable or do not agree on the potential impact of this missense change (SIFT: "Tolerated"; PolyPhen-2: "Possibly Damaging"; Align-GVGD: "Class C0"). In summary, the available evidence is currently insufficient to determine the role of this variant in disease. Therefore, it has been classified as a Variant of Uncertain Significance.